The following is an entry in ClinVar:

ClinVar aggregate classification (germline): Uncertain significance (1 of 4 stars; one submission).

Conditions:
Vitamin B2 deficiency. Identifiers: MedGen C0035528.

Allele frequency attached by ClinVar (database versions not stated): gnomAD exomes 0.00001; gnomAD 0.00007 and 0.00009; TOPMed 0.00007.
gnomAD v4.1: 20 of 1,613,912 alleles (0.0012%); highest among the groups gnomAD compares: African/African-American, 0.027%; no homozygotes.

Submission:

Labcorp Genetics (formerly Invitae), Labcorp
Classification: Uncertain significance for Vitamin B2 deficiency. Last evaluated: 2023-07-17. Review status: criteria provided, single submitter. Criteria: Invitae Variant Classification Sherloc (09022015). Collection method: clinical testing. Allele origin: germline.
Comment: This sequence change replaces glycine, which is neutral and non-polar, with serine, which is neutral and polar, at codon 168 of the SLC52A1 protein (p.Gly168Ser). This variant is present in population databases (no rsID available, gnomAD 0.02%). This variant has not been reported in the literature in individuals affected with SLC52A1-related conditions. ClinVar contains an entry for this variant (Variation ID: 1489962). Advanced modeling of protein sequence and biophysical properties (such as structural, functional, and spatial information, amino acid conservation, physicochemical variation, residue mobility, and thermodynamic stability) performed at Invitae indicates that this missense variant is not expected to disrupt SLC52A1 protein function. In summary, the available evidence is currently insufficient to determine the role of this variant in disease. Therefore, it has been classified as a Variant of Uncertain Significance.

NM_017986.4(SLC52A1):c.502G>A (p.Gly168Ser)

Gene: SLC52A1 (solute carrier family 52 member 1; minus strand). Cytogenetic location: 17p13.2.
Variant type: single nucleotide variant.
Coding change: c.502G>A on transcript NM_017986.4 (MANE Select); coding-DNA position 502, G replaced by A.
Protein change: p.Gly168Ser; replaces glycine 168 with serine.
Molecular consequence: missense variant.
Genome position (GRCh38, 1-based): chr17:5,033,987, C>T on the plus strand (G>A on the coding strand, the complement: SLC52A1 is on the minus strand). VCF-style: chr17-5033987-C-T. GRCh37 (hg19) VCF-style: chr17-4937282-C-T.
Other names: c.502G>A, p.Gly168Ser (NM_001104577.2); short protein forms G168S.
Identifiers: ClinVar variation 1489962 (VCV001489962.6), dbSNP rs922011403, ClinGen allele CA287195162.
Genomic context (GRCh38, chr17:5,033,987, plus strand): 5'-GGAAGTCGAGGGGAGGCCCAGAGGTGCCATTGGTGGGCGCTGGTGGGCACTCGAGGCGGC[C>T]CACACCTTGCACTAGGGCCAGCACACAGGGGAGTAGGGCACTGAGACCCTGACCCAGGAA-3'
Protein context (NP_060456.3, residues 158-178): PCVLALVQGV[Gly168Ser]RLECPPAPTN